The following is an entry in ClinVar:

NM_170665.4(ATP2A2):c.545-3T>G

Gene: ATP2A2 (ATPase sarcoplasmic/endoplasmic reticulum Ca2+ transporting 2; plus strand). Cytogenetic location: 12q24.11.
Variant type: single nucleotide variant.
Coding change: c.545-3T>G on transcript NM_170665.4 (MANE Select); 3 bases into the intron before coding-DNA position 545, T replaced by G.
Molecular consequence: intron variant.
Genome position (GRCh38, 1-based): chr12:110,326,387, T>G. VCF-style: chr12-110326387-T-G. GRCh37 (hg19) VCF-style: chr12-110764192-T-G.
Other names: c.170-3T>G (NM_001413015.1); c.545-3T>G (NM_001413014.1, NM_001681.4); c.440-3T>G (NM_001413013.1).
Identifiers: ClinVar variation 3359256 (VCV003359256.2).
Genomic context (GRCh38, chr12:110,326,387, plus strand): 5'-GAGGTTCTAGGTTCTTGGTGTGGGTCGCAGAGATCTGTTTTTTCTGTCTCACAACCCGCT[T>G]AGGTGAATCTGTCTCTGTCATCAAGCACACTGATCCCGTCCCTGACCCACGAGCTGTCAA-3'

ClinVar aggregate classification (germline): Uncertain significance (0 of 4 stars; one submission).

Conditions:
Keratosis follicularis (DAR). Also called: Darier disease; Darier's disease. Identifiers: Orphanet 218, MedGen C0022595, MONDO:0007417, OMIM 124200.

Submission:

Medical Genetics Unit, Mauro Baschirotto Institute for Rare Disease
Classification: Uncertain significance for Keratosis follicularis. Last evaluated: 2024-06-07. Review status: no assertion criteria provided. Collection method: provider interpretation. Allele origin: germline. Affected: yes. Observed: 1 variant allele.
Comment: The c.545-3T>G variant has not been published as a pathogenic variant, nor has it been reported as a benign variant to our knowledge. This variant occurs in intron 6. To our knowledge, this variant has not been reported in the literature or in a large population database, indicating this variant is rare (PM2 moderate). Franklin by genoox computational prediction tools unanimously support a deleterious effect of this splicing variant on the gene (PP3 moderate). Therefore, this variant is classified variant of uncertain significance. Although this variant has not been previously reported to our knowledge, the possibility that it is benign or pathogenic cannot be excluded.